The following is an entry in ClinVar:

ClinVar aggregate classification (germline): Likely pathogenic (1 of 4 stars; one submission).

Allele frequency attached by ClinVar (database versions not stated): ExAC 0.00001; gnomAD 0.00001; gnomAD exomes 0.00001; 1000 Genomes Project 0.00020.
gnomAD v4.1: 7 of 1,608,254 alleles (0.00044%); highest among the groups gnomAD compares: South Asian, 0.0077%; no homozygotes.

Submission:

GeneDx
Classification: Likely pathogenic. Last evaluated: 2023-01-26. Review status: criteria provided, single submitter. Criteria: GeneDx Variant Classification Process June 2021. Collection method: clinical testing. Allele origin: germline. Affected: yes.
Comment: Published functional studies demonstrate this variant results in a loss of acylceramide production-promoting ability (Ohno et al., 2018); Not observed at significant frequency in large population cohorts (gnomAD); In silico analysis supports that this missense variant has a deleterious effect on protein structure/function; This variant is associated with the following publications: (PMID: 27858988, 30527376, 19061969, 33455044, 30099045, 15127008)

NM_016006.6(ABHD5):c.752A>C (p.His251Pro)

Gene: ABHD5 (abhydrolase domain containing 5, lysophosphatidic acid acyltransferase; plus strand). Cytogenetic location: 3p21.33.
Variant type: single nucleotide variant.
Coding change: c.752A>C on transcript NM_016006.6 (MANE Select); coding-DNA position 752, A replaced by C.
Protein change: p.His251Pro; replaces histidine 251 with proline.
Molecular consequence: missense variant.
Genome position (GRCh38, 1-based): chr3:43,715,037, A>C. VCF-style: chr3-43715037-A-C. GRCh37 (hg19) VCF-style: chr3-43756529-A-C.
Other names: c.752A>C, p.His251Pro (NM_001355186.2, NM_001365650.1); c.629A>C, p.His210Pro (NM_001365649.1); short protein forms H210P, H251P.
Identifiers: ClinVar variation 2574453 (VCV002574453.1), dbSNP rs528321695, ClinGen allele CA2341430.
Genomic context (GRCh38, chr3:43,715,037, plus strand): 5'-ATTTCAAACGAAAGTATTCTTCAATGTTCGAAGACGATACTGTGACAGAATACATCTACC[A>C]CTGTAATGTGCAGACTCCAAGGTGAGGGTTAGGATTCTCAATTCACTCTGTGTGTGTGTG-3'
Protein context (NP_057090.2, residues 241-261): EDDTVTEYIY[His251Pro]CNVQTPSGET